The following is an entry in ClinVar:

NM_153240.5(NPHP3):c.686G>A (p.Cys229Tyr)

Genes: NPHP3 (nephrocystin 3; minus strand), NPHP3-ACAD11 (NPHP3-ACAD11 readthrough (NMD candidate); minus strand). Cytogenetic location: 3q22.1.
Variant type: single nucleotide variant.
Coding change: c.686G>A on transcript NM_153240.5 (MANE Select); coding-DNA position 686, G replaced by A.
Protein change: p.Cys229Tyr; replaces cysteine 229 with tyrosine.
Molecular consequence: missense variant. On other transcripts: non-coding transcript variant (1).
Genome position (GRCh38, 1-based): chr3:132,716,894, C>T on the plus strand (G>A on the coding strand, the complement: NPHP3 is on the minus strand). VCF-style: chr3-132716894-C-T. GRCh37 (hg19) VCF-style: chr3-132435738-C-T.
Other names: short protein forms C229Y.
Identifiers: ClinVar variation 462733 (VCV000462733.14), dbSNP rs1424177439, ClinGen allele CA354586632.

ClinVar aggregate classification (germline): Uncertain significance. Review status: criteria provided, multiple submitters, no conflicts (2 of 4 stars). 3 submissions from 3 submitters: Uncertain significance (3). Last evaluated 2024-04-23.

Conditions:
NPHP3-related Meckel-like syndrome. Also called: GOLDSTON SYNDROME; Meckel syndrome type 7. Identifiers: Orphanet 3032, MedGen C2673885, MONDO:0009966, OMIM 267010.
Nephronophthisis 3 (NPHP3). Also called: Adolescent nephronophthisis. Identifiers: Orphanet 655, MedGen C1858392, MONDO:0011456, OMIM 604387.
Renal-hepatic-pancreatic dysplasia 1 (RHPD1). Identifiers: MedGen C3715199, MONDO:0008833, OMIM 208540.
Nephronophthisis. Also called: Juvenile Nephronophthisis. Identifiers: Orphanet 655, MedGen C0687120, MONDO:0019005, HP:0000090.

Allele frequency attached by ClinVar (database versions not stated): gnomAD exomes below 0.00001; gnomAD 0.00001; TOPMed 0.00001.
gnomAD v4.1: 3 of 1,613,944 alleles (0.00019%); highest among the groups gnomAD compares: Admixed American, 0.0033%; no homozygotes.

Submissions (3):

Fulgent Genetics
Classification: Uncertain significance for Renal-hepatic-pancreatic dysplasia 1; NPHP3-related Meckel-like syndrome; Nephronophthisis 3. Last evaluated: 2024-04-23. Review status: criteria provided, single submitter. Criteria: ACMG Guidelines, 2015. Collection method: clinical testing. Allele origin: germline.

Labcorp Genetics (formerly Invitae), Labcorp
Classification: Uncertain significance for Nephronophthisis. Last evaluated: 2018-09-12. Review status: criteria provided, single submitter. Criteria: Invitae Variant Classification Sherloc (09022015). Collection method: clinical testing. Allele origin: germline.
Comment: In summary, the available evidence is currently insufficient to determine the role of this variant in disease. Therefore, it has been classified as a Variant of Uncertain Significance. Algorithms developed to predict the effect of missense changes on protein structure and function are either unavailable or do not agree on the potential impact of this missense change (SIFT: "Deleterious"; PolyPhen-2: "Possibly Damaging"; Align-GVGD: "Class C0"). This variant has not been reported in the literature in individuals with NPHP3-related disease. ClinVar contains an entry for this variant (Variation ID: 462733). This variant is not present in population databases (ExAC no frequency). This sequence change replaces cysteine with tyrosine at codon 229 of the NPHP3 protein (p.Cys229Tyr). The cysteine residue is moderately conserved and there is a large physicochemical difference between cysteine and tyrosine.

Eurofins Ntd Llc (ga)
Classification: Uncertain significance. Last evaluated: 2018-06-27. Review status: criteria provided, single submitter. Criteria: EGL ClinVar v180209 classification definitions. Collection method: clinical testing. Allele origin: germline. Observed: 1 variant allele, 1 heterozygote.